The following is an entry in ClinVar:

ClinVar aggregate classification (germline): Uncertain significance (1 of 4 stars; one submission).

Submission:

GeneDx
Classification: Uncertain significance. Last evaluated: 2024-06-03. Review status: criteria provided, single submitter. Criteria: GeneDx Variant Classification Process June 2021. Collection method: clinical testing. Allele origin: germline.
Comment: Not observed at significant frequency in large population cohorts (gnomAD); Missense variants in this gene are often considered pathogenic (HGMD); In silico analysis indicates that this missense variant does not alter protein structure/function; Within N-SH2 domain (PMID: 29493581); Has not been previously published as pathogenic or benign to our knowledge; This variant is associated with the following publications: (PMID: 29493581)

NM_002834.5(PTPN11):c.91G>T (p.Ala31Ser)

Gene: PTPN11 (protein tyrosine phosphatase non-receptor type 11; plus strand). Cytogenetic location: 12q24.13.
Variant type: single nucleotide variant.
Coding change: c.91G>T on transcript NM_002834.5 (MANE Select); coding-DNA position 91, G replaced by T.
Protein change: p.Ala31Ser; replaces alanine 31 with serine.
Molecular consequence: missense variant.
Genome position (GRCh38, 1-based): chr12:112,446,352, G>T. VCF-style: chr12-112446352-G-T. GRCh37 (hg19) VCF-style: chr12-112884156-G-T.
Other names: c.91G>T, p.Ala31Ser (NM_001330437.2, NM_001374625.1, NM_080601.3); short protein forms A31S.
Identifiers: ClinVar variation 1706401 (VCV001706401.3), dbSNP rs2540410654, ClinGen allele CA386776280.